The following is an entry in ClinVar:

NM_014159.7(SETD2):c.765G>C (p.Lys255Asn)

Gene: SETD2 (SET domain containing 2, histone lysine methyltransferase; minus strand). Cytogenetic location: 3p21.31.
Variant type: single nucleotide variant.
Coding change: c.765G>C on transcript NM_014159.7 (MANE Select); coding-DNA position 765, G replaced by C.
Protein change: p.Lys255Asn; replaces lysine 255 with asparagine.
Molecular consequence: missense variant. On other transcripts: non-coding transcript variant (1).
Genome position (GRCh38, 1-based): chr3:47,123,871, C>G on the plus strand (G>C on the coding strand, the complement: SETD2 is on the minus strand). VCF-style: chr3-47123871-C-G. GRCh37 (hg19) VCF-style: chr3-47165361-C-G.
Other names: c.633G>C, p.Lys211Asn (NM_001349370.3); short protein forms K211N, K255N.
Identifiers: ClinVar variation 2009268 (VCV002009268.4), dbSNP rs1330801240, ClinGen allele CA352534737.

ClinVar aggregate classification (germline): Uncertain significance (1 of 4 stars; one submission).

Conditions:
Luscan-Lumish syndrome. Identifiers: Orphanet 597738, MedGen C4085873, MONDO:0014791, OMIM 616831.

Submission:

Labcorp Genetics (formerly Invitae), Labcorp
Classification: Uncertain significance for Luscan-Lumish syndrome. Last evaluated: 2022-06-22. Review status: criteria provided, single submitter. Criteria: Invitae Variant Classification Sherloc (09022015). Collection method: clinical testing. Allele origin: germline.
Comment: This variant has not been reported in the literature in individuals affected with SETD2-related conditions. This variant is not present in population databases (gnomAD no frequency). This sequence change replaces lysine, which is basic and polar, with asparagine, which is neutral and polar, at codon 255 of the SETD2 protein (p.Lys255Asn). In summary, the available evidence is currently insufficient to determine the role of this variant in disease. Therefore, it has been classified as a Variant of Uncertain Significance. Algorithms developed to predict the effect of missense changes on protein structure and function are either unavailable or do not agree on the potential impact of this missense change (SIFT: "Deleterious"; PolyPhen-2: "Possibly Damaging"; Align-GVGD: "Class C0").